The following is an entry in ClinVar:

ClinVar aggregate classification (germline): Uncertain significance (1 of 4 stars; one submission).

Submission:

Labcorp Genetics (formerly Invitae), Labcorp
Classification: Uncertain significance. Last evaluated: 2025-04-27. Review status: criteria provided, single submitter. Criteria: Invitae Variant Classification Sherloc (09022015). Collection method: clinical testing. Allele origin: germline.
Comment: This sequence change replaces serine, which is neutral and polar, with arginine, which is basic and polar, at codon 1031 of the NPAT protein (p.Ser1031Arg). This variant is not present in population databases (gnomAD no frequency). This variant has not been reported in the literature in individuals affected with NPAT-related conditions. An algorithm developed to predict the effect of missense changes on protein structure and function (PolyPhen-2) suggests that this variant is likely to be tolerated. In summary, the available evidence is currently insufficient to determine the role of this variant in disease. Therefore, it has been classified as a Variant of Uncertain Significance.

NM_002519.3(NPAT):c.3091A>C (p.Ser1031Arg)

Gene: NPAT (nuclear protein, coactivator of histone transcription; minus strand). Cytogenetic location: 11q22.3.
Variant type: single nucleotide variant.
Coding change: c.3091A>C on transcript NM_002519.3 (MANE Select); coding-DNA position 3091, A replaced by C.
Protein change: p.Ser1031Arg; replaces serine 1031 with arginine.
Molecular consequence: missense variant.
Genome position (GRCh38, 1-based): chr11:108,161,995, T>G on the plus strand (A>C on the coding strand, the complement: NPAT is on the minus strand). VCF-style: chr11-108161995-T-G. GRCh37 (hg19) VCF-style: chr11-108032722-T-G.
Other names: c.3112A>C, p.Ser1038Arg (NM_001321307.1); short protein forms S1031R, S1038R.
Identifiers: ClinVar variation 4781285 (VCV004781285.1).